The following is an entry in ClinVar:

NM_001387777.1(TNS1):c.2304G>A (p.Val768=)

Gene: TNS1 (tensin 1; minus strand). Cytogenetic location: 2q35.
Variant type: single nucleotide variant.
Coding change: c.2304G>A on transcript NM_001387777.1 (MANE Select); coding-DNA position 2304, G replaced by A.
Protein change: p.Val768=; no amino-acid change (valine 768 retained).
Molecular consequence: synonymous variant.
Genome position (GRCh38, 1-based): chr2:217,848,213, C>T on the plus strand (G>A on the coding strand, the complement: TNS1 is on the minus strand). VCF-style: chr2-217848213-C-T. GRCh37 (hg19) VCF-style: chr2-218712936-C-T.
Other names: c.1929G>A, p.Val643= (NM_001308022.2, NM_001308023.2, NM_022648.7).
Identifiers: ClinVar variation 3059394 (VCV003059394.2), dbSNP rs3796032, ClinGen allele CA2100274.

ClinVar aggregate classification (germline): Benign (0 of 4 stars; one submission).

Conditions:
TNS1-related disorder. Also called: TNS1-related condition.

Allele frequency attached by ClinVar (database versions not stated): gnomAD exomes 0.33064; ExAC 0.36076; ESP Exome Variant Server 0.39486; gnomAD 0.39964; TOPMed 0.40101; 1000 Genomes Project 0.43490; 1000 Genomes Project 30x 0.43832.
gnomAD v4.1: 538,955 of 1,593,258 alleles (34%); highest among the groups gnomAD compares: African/African-American, 59%; 95,405 homozygotes.

Submission:

PreventionGenetics, part of Exact Sciences
Classification: Benign for TNS1-related condition. Last evaluated: 2019-10-28. Review status: no assertion criteria provided. Collection method: clinical testing. Allele origin: germline.
Comment: This variant is classified as benign based on ACMG/AMP sequence variant interpretation guidelines (Richards et al. 2015 PMID: 25741868, with internal and published modifications).